The following is an entry in ClinVar:

NM_000161.3(GCH1):c.204C>T (p.Leu68=)

Gene: GCH1 (GTP cyclohydrolase 1; minus strand). Cytogenetic location: 14q22.2.
Variant type: single nucleotide variant.
Coding change: c.204C>T on transcript NM_000161.3 (MANE Select); coding-DNA position 204, C replaced by T.
Protein change: p.Leu68=; no amino-acid change (leucine 68 retained).
Molecular consequence: synonymous variant.
Genome position (GRCh38, 1-based): chr14:54,902,460, G>A on the plus strand (C>T on the coding strand, the complement: GCH1 is on the minus strand). VCF-style: chr14-54902460-G-A. GRCh37 (hg19) VCF-style: chr14-55369178-G-A.
Other names: c.204C>T, p.Leu68= (NM_001024024.2, NM_001024070.2, NM_001024071.2).
Identifiers: ClinVar variation 700575 (VCV000700575.38), dbSNP rs557778839, ClinGen allele CA7193664.
Genomic context (GRCh38, chr14:54,902,460, plus strand): 5'-CCGCTGGGGGTTCTCGCCCAGCGAGCTCAGGATGGACGAGTAGGCGGCTGCCAGGTTAGG[G>A]AGGTTCAGCTCGTTATCCTCCTCGCTGCGGGGCCGCTCGCCCTTCCAGCCGTCCGCGGGC-3'
Protein context (NP_000152.1, residues 58-78): PRSEEDNELN[Leu68=]PNLAAAYSSI

ClinVar aggregate classification (germline): Likely benign. Review status: criteria provided, multiple submitters, no conflicts (2 of 4 stars). 3 submissions from 3 submitters: Likely benign (3). Last evaluated 2025-06-10.

Conditions:
GTP cyclohydrolase I deficiency. Identifiers: MedGen C0268467, MONDO:0100184.
Dystonia 5 (DRD). Also called: Dystonia, DOPA-responsive, with or without hyperphenylalaninemia; GTP Cyclohydrolase 1-Deficient Dopa-Responsive Dystonia; DYT-GCH1; DYSTONIA, PROGRESSIVE, WITH DIURNAL VARIATION; DYSTONIA-PARKINSONISM WITH DIURNAL FLUCTUATION. Identifiers: Orphanet 98808, MedGen C1851920, MONDO:0007495, OMIM 128230.

Allele frequency attached by ClinVar (database versions not stated): gnomAD exomes 0.00001; ExAC 0.00002; TOPMed 0.00002; 1000 Genomes Project 30x 0.00016; 1000 Genomes Project 0.00020; gnomAD 0.00001.
gnomAD v4.1: 20 of 1,612,692 alleles (0.0012%); highest among the groups gnomAD compares: Admixed American, 0.0017%; no homozygotes.

Submissions (3):

Labcorp Genetics (formerly Invitae), Labcorp
Classification: Likely benign for GTP cyclohydrolase I deficiency; Dystonia 5. Last evaluated: 2025-06-10. Review status: criteria provided, single submitter. Criteria: Invitae Variant Classification Sherloc (09022015). Collection method: clinical testing. Allele origin: germline.

Blueprint Genetics
Classification: Likely benign. Last evaluated: 2023-09-08. Review status: criteria provided, single submitter. Criteria: ACMG Guidelines, 2015. Collection method: clinical testing. Allele origin: germline.

CeGaT Center for Human Genetics Tuebingen
Classification: Likely benign. Last evaluated: 2023-05-01. Review status: criteria provided, single submitter. Criteria: CeGaT Center For Human Genetics Tuebingen Variant Classification Criteria Version 2. Collection method: clinical testing. Allele origin: germline. Affected: yes. Observed: 1 variant allele.
Comment: GCH1: BP4, BP7